The following is an entry in ClinVar:

NM_013275.6(ANKRD11):c.7789A>T (p.Lys2597Ter)

Gene: ANKRD11 (ankyrin repeat domain 11; minus strand). Cytogenetic location: 16q24.3.
Variant type: single nucleotide variant.
Coding change: c.7789A>T on transcript NM_013275.6 (MANE Select); coding-DNA position 7789, A replaced by T.
Protein change: p.Lys2597Ter; replaces lysine 2597 with a stop codon.
Molecular consequence: nonsense.
Genome position (GRCh38, 1-based): chr16:89,270,834, T>A on the plus strand (A>T on the coding strand, the complement: ANKRD11 is on the minus strand). VCF-style: chr16-89270834-T-A. GRCh37 (hg19) VCF-style: chr16-89337242-T-A.
Other names: c.7789A>T, p.Lys2597Ter (NM_001256182.2, NM_001256183.2); short protein forms K2597*.
Identifiers: ClinVar variation 984867 (VCV000984867.4), dbSNP rs2033085976, ClinGen allele CA397146388.

ClinVar aggregate classification (germline): Likely pathogenic (1 of 4 stars; one submission).

Conditions:
KBG syndrome (KBGS). Also called: ANKRD11-Related KBG Syndrome. Identifiers: Orphanet 2332, MedGen C0220687, MONDO:0007846, OMIM 148050.

Submission:

Genome Medicine, Institute for Basic Research in Developmental Disabilities
Classification: Likely pathogenic for KBG syndrome. Review status: criteria provided, single submitter. Criteria: ACMG Guidelines, 2015. Collection method: clinical testing. Allele origin: paternal. Affected: yes. Observed: 2 variant alleles.

Literature cited by the submitters: PubMed 35970914 (cited by Genome Medicine, Institute for Basic Research in Developmental Disabilities).